The following is an entry in ClinVar:

NM_020366.4(RPGRIP1):c.1537G>T (p.Ala513Ser)

Gene: RPGRIP1 (RPGR interacting protein 1; plus strand). Cytogenetic location: 14q11.2.
Variant type: single nucleotide variant.
Coding change: c.1537G>T on transcript NM_020366.4 (MANE Select); coding-DNA position 1537, G replaced by T.
Protein change: p.Ala513Ser; replaces alanine 513 with serine.
Molecular consequence: missense variant. On other transcripts: 5 prime UTR variant (1).
Genome position (GRCh38, 1-based): chr14:21,321,328, G>T. VCF-style: chr14-21321328-G-T. GRCh37 (hg19) VCF-style: chr14-21789487-G-T.
Other names: c.463G>T, p.Ala155Ser (NM_001377523.1, NM_001377948.1, NM_001377949.1 and 1 more transcripts); c.-36G>T (NM_001377951.1); short protein forms A513S, A155S.
Identifiers: ClinVar variation 946719 (VCV000946719.6), dbSNP rs763392584, ClinGen allele CA7088998.

ClinVar aggregate classification (germline): Uncertain significance. Review status: criteria provided, multiple submitters, no conflicts (2 of 4 stars). 3 submissions from 3 submitters: Uncertain significance (3). Last evaluated 2023-12-26.

Conditions:
Leber congenital amaurosis 6 (LCA6). Identifiers: Orphanet 65, MedGen C1854260, MONDO:0013446, OMIM 613826.
Cone-rod dystrophy 13 (CORD13). Identifiers: Orphanet 1872, MedGen C2750720, MONDO:0011987, OMIM 608194.
Inborn genetic diseases. Identifiers: MedGen C0950123, MeSH D030342.

Allele frequency attached by ClinVar (database versions not stated): TOPMed 0.00006.
gnomAD v4.1: 169 of 1,613,764 alleles (0.01%); highest among the groups gnomAD compares: Non-Finnish European, 0.014%; no homozygotes.

Submissions (3):

Ambry Genetics
Classification: Uncertain significance for Inborn genetic diseases. Last evaluated: 2023-12-26. Review status: criteria provided, single submitter. Criteria: Ambry Variant Classification Scheme 2023. Collection method: clinical testing. Allele origin: germline.

Blueprint Genetics
Classification: Uncertain significance. Last evaluated: 2022-12-28. Review status: criteria provided, single submitter. Criteria: ACMG Guidelines, 2015. Collection method: clinical testing. Allele origin: germline.

Labcorp Genetics (formerly Invitae), Labcorp
Classification: Uncertain significance for Leber congenital amaurosis 6; Cone-rod dystrophy 13. Last evaluated: 2022-08-16. Review status: criteria provided, single submitter. Criteria: Invitae Variant Classification Sherloc (09022015). Collection method: clinical testing. Allele origin: germline.
Comment: This sequence change replaces alanine, which is neutral and non-polar, with serine, which is neutral and polar, at codon 513 of the RPGRIP1 protein (p.Ala513Ser). This variant is present in population databases (rs763392584, gnomAD 0.004%). This variant has not been reported in the literature in individuals affected with RPGRIP1-related conditions. ClinVar contains an entry for this variant (Variation ID: 946719). Algorithms developed to predict the effect of missense changes on protein structure and function are either unavailable or do not agree on the potential impact of this missense change (SIFT: "Tolerated"; PolyPhen-2: "Possibly Damaging"; Align-GVGD: "Class C0"). In summary, the available evidence is currently insufficient to determine the role of this variant in disease. Therefore, it has been classified as a Variant of Uncertain Significance.